The following is an entry in ClinVar:

NM_000088.4(COL1A1):c.1115A>G (p.Glu372Gly)

Gene: COL1A1 (collagen type I alpha 1 chain; minus strand). Cytogenetic location: 17q21.33.
Variant type: single nucleotide variant.
Coding change: c.1115A>G on transcript NM_000088.4 (MANE Select); coding-DNA position 1115, A replaced by G.
Protein change: p.Glu372Gly; replaces glutamic acid 372 with glycine.
Molecular consequence: missense variant.
Genome position (GRCh38, 1-based): chr17:50,195,607, T>C on the plus strand (A>G on the coding strand, the complement: COL1A1 is on the minus strand). VCF-style: chr17-50195607-T-C. GRCh37 (hg19) VCF-style: chr17-48272968-T-C.
Other names: short protein forms E372G.
Identifiers: ClinVar variation 2121707 (VCV002121707.4), dbSNP rs2509228842, ClinGen allele CA400219835.

ClinVar aggregate classification (germline): Uncertain significance (1 of 4 stars; one submission).

Conditions:
Osteogenesis imperfecta type I (OI1). Also called: Lobstein disease; OI, TYPE I; OSTEOGENESIS IMPERFECTA TARDA; OSTEOGENESIS IMPERFECTA WITH BLUE SCLERAE; Osteogenesis imperfecta type 1; Classic Non-deforming Osteogenesis Imperfecta with Blue Sclerae. Identifiers: Orphanet 216796, Orphanet 666, MedGen C0023931, MONDO:0008146, OMIM 166200. Disease mechanism: loss of function.

Submission:

Labcorp Genetics (formerly Invitae), Labcorp
Classification: Uncertain significance for Osteogenesis imperfecta type I. Last evaluated: 2022-04-11. Review status: criteria provided, single submitter. Criteria: Invitae Variant Classification Sherloc (09022015). Collection method: clinical testing. Allele origin: germline.
Comment: This sequence change replaces glutamic acid, which is acidic and polar, with glycine, which is neutral and non-polar, at codon 372 of the COL1A1 protein (p.Glu372Gly). This variant is not present in population databases (gnomAD no frequency). In summary, the available evidence is currently insufficient to determine the role of this variant in disease. Therefore, it has been classified as a Variant of Uncertain Significance. Algorithms developed to predict the effect of missense changes on protein structure and function are either unavailable or do not agree on the potential impact of this missense change (SIFT: "Deleterious"; PolyPhen-2: "Not Available"; Align-GVGD: "Class C65"). This variant has not been reported in the literature in individuals affected with COL1A1-related conditions.